The following is an entry in ClinVar:

NM_001347721.2(DYRK1A):c.238G>A (p.Ala80Thr)

Gene: DYRK1A (dual specificity tyrosine phosphorylation regulated kinase 1A; plus strand). Cytogenetic location: 21q22.13.
Variant type: single nucleotide variant.
Coding change: c.238G>A on transcript NM_001347721.2 (MANE Select); coding-DNA position 238, G replaced by A.
Protein change: p.Ala80Thr; replaces alanine 80 with threonine.
Molecular consequence: missense variant.
Genome position (GRCh38, 1-based): chr21:37,478,238, G>A. VCF-style: chr21-37478238-G-A. GRCh37 (hg19) VCF-style: chr21-38850540-G-A.
Other names: c.238G>A, p.Ala80Thr (NM_001347722.2, NM_130436.2); c.151G>A, p.Ala51Thr (NM_001347723.2); c.265G>A, p.Ala89Thr (NM_001396.5, NM_101395.2, NM_130438.2); short protein forms A80T, A89T, A51T.
Identifiers: ClinVar variation 1473483 (VCV001473483.6), dbSNP rs2148571533, ClinGen allele CA409943441.

ClinVar aggregate classification (germline): Uncertain significance (1 of 4 stars; one submission).

Conditions:
DYRK1A-related intellectual disability syndrome (MRD7). Also called: DYRK1A Syndrome; Intellectual developmental disorder, autosomal dominant 7. Identifiers: Orphanet 464306, MedGen C5568143, MONDO:0013578, OMIM 614104.

Submission:

Labcorp Genetics (formerly Invitae), Labcorp
Classification: Uncertain significance for DYRK1A-related intellectual disability syndrome. Last evaluated: 2021-09-06. Review status: criteria provided, single submitter. Criteria: Invitae Variant Classification Sherloc (09022015). Collection method: clinical testing. Allele origin: germline.
Comment: In summary, the available evidence is currently insufficient to determine the role of this variant in disease. Therefore, it has been classified as a Variant of Uncertain Significance. Advanced modeling of protein sequence and biophysical properties (such as structural, functional, and spatial information, amino acid conservation, physicochemical variation, residue mobility, and thermodynamic stability) performed at Invitae indicates that this missense variant is not expected to disrupt DYRK1A protein function. This variant has not been reported in the literature in individuals affected with DYRK1A-related conditions. This variant is not present in population databases (ExAC no frequency). This sequence change replaces alanine with threonine at codon 89 of the DYRK1A protein (p.Ala89Thr). The alanine residue is highly conserved and there is a small physicochemical difference between alanine and threonine.